The following is an entry in ClinVar:

NM_021076.4(NEFH):c.136G>T (p.Gly46Cys)

Gene: NEFH (neurofilament heavy chain; plus strand). Cytogenetic location: 22q12.2.
Variant type: single nucleotide variant.
Coding change: c.136G>T on transcript NM_021076.4 (MANE Select); coding-DNA position 136, G replaced by T.
Protein change: p.Gly46Cys; replaces glycine 46 with cysteine.
Molecular consequence: missense variant.
Genome position (GRCh38, 1-based): chr22:29,480,398, G>T. VCF-style: chr22-29480398-G-T. GRCh37 (hg19) VCF-style: chr22-29876387-G-T.
Other names: short protein forms G46C.
Identifiers: ClinVar variation 2420250 (VCV002420250.7), dbSNP rs757318200, ClinGen allele CA10173969.
Genomic context (GRCh38, chr22:29,480,398, plus strand): 5'-TACGCGCTAGCCCGAAAGGGTGGCGCAGGCGGGACGCGCTCCGCCGCTGGCTCCTCCAGC[G>T]GCTTCCACTCGTGGACACGGACGTCCGTGAGCTCCGTGTCCGCCTCGCCCAGCCGCTTCC-3'
Protein context (NP_066554.2, residues 36-56): GTRSAAGSSS[Gly46Cys]FHSWTRTSVS

ClinVar aggregate classification (germline): Conflicting classifications of pathogenicity. Review status: criteria provided, conflicting classifications (1 of 4 stars). 2 submissions from 2 submitters: Uncertain significance (1); Likely benign (1). Last evaluated 2026-09-01.

gnomAD v4.1: 5 of 1,536,310 alleles (0.00033%); highest among the groups gnomAD compares: Non-Finnish European, 0.00044%; no homozygotes.

Submissions (2):

CeGaT Center for Human Genetics Tuebingen
Classification: Likely benign. Last evaluated: 2026-09-01. Review status: criteria provided, single submitter. Criteria: CeGaT Center For Human Genetics Tuebingen Variant Classification Criteria Version 2. Collection method: clinical testing. Allele origin: germline. Affected: yes. Observed: 1 variant allele.
Comment: NEFH: PP3, BS2

Labcorp Genetics (formerly Invitae), Labcorp
Classification: Uncertain significance. Last evaluated: 2025-03-05. Review status: criteria provided, single submitter. Criteria: Invitae Variant Classification Sherloc (09022015). Collection method: clinical testing. Allele origin: germline.
Comment: This sequence change replaces glycine, which is neutral and non-polar, with cysteine, which is neutral and slightly polar, at codon 46 of the NEFH protein (p.Gly46Cys). The frequency data for this variant in the population databases is considered unreliable, as metrics indicate poor data quality at this position in the gnomAD database. This variant has not been reported in the literature in individuals affected with NEFH-related conditions. ClinVar contains an entry for this variant (Variation ID: 2420250). Invitae Evidence Modeling of protein sequence and biophysical properties (such as structural, functional, and spatial information, amino acid conservation, physicochemical variation, residue mobility, and thermodynamic stability) indicates that this missense variant is not expected to disrupt NEFH protein function with a negative predictive value of 95%. In summary, the available evidence is currently insufficient to determine the role of this variant in disease. Therefore, it has been classified as a Variant of Uncertain Significance.